The following is an entry in ClinVar:

ClinVar aggregate classification (germline): Uncertain significance. Review status: criteria provided, multiple submitters, no conflicts (2 of 4 stars). 2 submissions from 2 submitters: Uncertain significance (2). Last evaluated 2025-08-09.

Conditions:
Hereditary cancer-predisposing syndrome. Also called: Tumor predisposition; Hereditary Cancer Syndrome; Hereditary neoplastic syndrome; Neoplastic Syndromes, Hereditary. Identifiers: Orphanet 140162, MedGen C0027672, MeSH D009386, MONDO:0015356.
Hereditary pheochromocytoma and paraganglioma. Also called: Hereditary paragangliomas and pheochromocytomas; Hereditary pheochromocytoma-paraganglioma; Hereditary Paraganglioma-Pheochromocytoma Syndromes. Identifiers: Orphanet 29072, MedGen C4274332, MONDO:0017366.

Submissions (2):

Ambry Genetics
Classification: Uncertain significance for Hereditary cancer-predisposing syndrome. Last evaluated: 2025-08-09. Review status: criteria provided, single submitter. Criteria: Ambry Variant Classification Scheme 2023. Collection method: clinical testing. Allele origin: germline.
Comment: The p.E103G variant (also known as c.308A>G), located in coding exon 5 of the MAX gene, results from an A to G substitution at nucleotide position 308. The glutamic acid at codon 103 is replaced by glycine, an amino acid with similar properties. This amino acid position is conserved. In addition, this alteration is predicted to be deleterious by in silico analysis. Based on the available evidence, the clinical significance of this variant remains unclear.

Labcorp Genetics (formerly Invitae), Labcorp
Classification: Uncertain significance for Hereditary pheochromocytoma and paraganglioma. Last evaluated: 2018-12-18. Review status: criteria provided, single submitter. Criteria: Invitae Variant Classification Sherloc (09022015). Collection method: clinical testing. Allele origin: germline.
Comment: In summary, the available evidence is currently insufficient to determine the role of this variant in disease. Therefore, it has been classified as a Variant of Uncertain Significance. Algorithms developed to predict the effect of missense changes on protein structure and function (SIFT, PolyPhen-2, Align-GVGD) all suggest that this variant is likely to be tolerated, but these predictions have not been confirmed by published functional studies and their clinical significance is uncertain. This variant has not been reported in the literature in individuals with MAX-related conditions. This variant is not present in population databases (ExAC no frequency). This sequence change replaces glutamic acid with glycine at codon 103 of the MAX protein (p.Glu103Gly). The glutamic acid residue is highly conserved and there is a moderate physicochemical difference between glutamic acid and glycine.

NM_002382.5(MAX):c.308A>G (p.Glu103Gly)

Gene: MAX (MYC associated transcriptional regulator X; minus strand). Cytogenetic location: 14q23.3.
Variant type: single nucleotide variant.
Coding change: c.308A>G on transcript NM_002382.5 (MANE Select); coding-DNA position 308, A replaced by G.
Protein change: p.Glu103Gly; replaces glutamic acid 103 with glycine.
Molecular consequence: missense variant. On other transcripts: intron variant (2), 3 prime UTR variant (1).
Genome position (GRCh38, 1-based): chr14:65,076,651, T>C on the plus strand (A>G on the coding strand, the complement: MAX is on the minus strand). VCF-style: chr14-65076651-T-C. GRCh37 (hg19) VCF-style: chr14-65543369-T-C.
Other names: c.119A>G, p.Glu40Gly (NM_001320415.2, NM_001407105.1, NM_001407106.1 and 1 more transcripts); c.308A>G, p.Glu103Gly (NM_001407094.1); c.281A>G, p.Glu94Gly (NM_001407095.1, NM_145112.3); c.*81A>G (NM_001407096.1, NM_001407099.1, NM_001407102.1 and 2 more transcripts); c.*97A>G (NM_001407097.1, NM_001407100.1, NM_001407101.1 and 4 more transcripts); c.200A>G, p.Glu67Gly (NM_001407098.1); c.144+17057A>G (NM_001271069.2); c.171+17057A>G (NM_197957.4); and 1 more; short protein forms E103G, E40G, E94G, E36G, E67G.
Identifiers: ClinVar variation 662134 (VCV000662134.10), dbSNP rs1595127413, ClinGen allele CA390031991.
Genomic context (GRCh38, chr14:65,076,651, plus strand): 5'-TAGAGGCTGTTGTCTGAGGAGGGGTAGTTGGTCTGCAGTTGGGCACTTGACCTCGCCTTC[T>C]CCAGTGCACGGACTAAAAGGCAACCAAGGGAGTGTGTTACTGCCTTCTGGAGACTTGGGG-3'
Protein context (NP_002373.3, residues 93-113): ALLEQQVRAL[Glu103Gly]KARSSAQLQT